The following is an entry in ClinVar:

NM_002439.5(MSH3):c.332G>A (p.Ser111Asn)

Gene: MSH3 (mutS homolog 3; plus strand). Cytogenetic location: 5q14.1.
Variant type: single nucleotide variant.
Coding change: c.332G>A on transcript NM_002439.5 (MANE Select); coding-DNA position 332, G replaced by A.
Protein change: p.Ser111Asn; replaces serine 111 with asparagine.
Molecular consequence: missense variant.
Genome position (GRCh38, 1-based): chr5:80,656,505, G>A. VCF-style: chr5-80656505-G-A. GRCh37 (hg19) VCF-style: chr5-79952324-G-A.
Other names: short protein forms S111N.
Identifiers: ClinVar variation 1730295 (VCV001730295.2), dbSNP rs2546712276, ClinGen allele CA360266493.
Genomic context (GRCh38, chr5:80,656,505, plus strand): 5'-TGGAAAATGATGGGCCTGTTAAAAAGAAAGTAAAGAAAGTCCAACAAAAGGAAGGAGGAA[G>A]TGATCTGGGAATGTCTGGCAACTCTGGTGAGTTGTGGGGGATTCTTTTTTCTCCTCAGTC-3'
Protein context (NP_002430.3, residues 101-121): VKKVQQKEGG[Ser111Asn]DLGMSGNSEP

ClinVar aggregate classification (germline): Uncertain significance (1 of 4 stars; one submission).

Conditions:
Hereditary cancer-predisposing syndrome. Also called: Neoplastic Syndromes, Hereditary; Tumor predisposition; Hereditary Cancer Syndrome; Hereditary neoplastic syndrome. Identifiers: Orphanet 140162, MedGen C0027672, MeSH D009386, MONDO:0015356.

Allele frequency attached by ClinVar (database versions not stated): gnomAD exomes below 0.00001.
gnomAD v4.1: 1 of 1,614,202 alleles (0.000062%); highest among the groups gnomAD compares: Non-Finnish European, 0.000085%; no homozygotes.

Submission:

Ambry Genetics
Classification: Uncertain significance for Hereditary cancer-predisposing syndrome. Last evaluated: 2021-10-12. Review status: criteria provided, single submitter. Criteria: Ambry Variant Classification Scheme 2023. Collection method: clinical testing. Allele origin: germline.
Comment: The p.S111N variant (also known as c.332G>A), located in coding exon 2 of the MSH3 gene, results from a G to A substitution at nucleotide position 332. The serine at codon 111 is replaced by asparagine, an amino acid with highly similar properties. This amino acid position is not well conserved in available vertebrate species. In addition, this alteration is predicted to be tolerated by in silico analysis. Since supporting evidence is limited at this time, the clinical significance of this alteration remains unclear.